The following is an entry in ClinVar:

ClinVar aggregate classification (germline): Uncertain significance (1 of 4 stars; one submission).

Conditions:
Monocytopenia with susceptibility to infections. Also called: MONOCYTOPENIA AND MYCOBACTERIAL INFECTION SYNDROME; MONOCYTOPENIA WITH SUSCEPTIBILITY TO MYCOBACTERIAL, FUNGAL, AND PAPILLOMAVIRUS INFECTIONS AND MYELODYSPLASIA; COMBINED IMMUNODEFICIENCY WITH SUSCEPTIBILITY TO MYCOBACTERIAL, VIRAL, AND FUNGAL INFECTIONS; Dendritic cell, monocyte, B lymphocyte, and natural killer lymphocyte deficiency; IMMUNODEFICIENCY 21; GATA2 DEFICIENCY. Identifiers: Orphanet 228423, MedGen C3280030, MONDO:0013607, OMIM 614172.
Deafness-lymphedema-leukemia syndrome. Also called: Lymphedema, primary, with myelodysplasia; Emberger syndrome. Identifiers: Orphanet 3226, MedGen C3279664, MONDO:0013540, OMIM 614038.

Allele frequency attached by ClinVar (database versions not stated): gnomAD 0.00001.

Submission:

Labcorp Genetics (formerly Invitae), Labcorp
Classification: Uncertain significance for Monocytopenia with susceptibility to infections; Deafness-lymphedema-leukemia syndrome. Last evaluated: 2022-09-08. Review status: criteria provided, single submitter. Criteria: Invitae Variant Classification Sherloc (09022015). Collection method: clinical testing. Allele origin: germline.
Comment: This sequence change replaces alanine, which is neutral and non-polar, with threonine, which is neutral and polar, at codon 15 of the GATA2 protein (p.Ala15Thr). This variant is present in population databases (no rsID available, gnomAD 0.06%). This variant has not been reported in the literature in individuals affected with GATA2-related conditions. Advanced modeling of protein sequence and biophysical properties (such as structural, functional, and spatial information, amino acid conservation, physicochemical variation, residue mobility, and thermodynamic stability) performed at Invitae indicates that this missense variant is not expected to disrupt GATA2 protein function. In summary, the available evidence is currently insufficient to determine the role of this variant in disease. Therefore, it has been classified as a Variant of Uncertain Significance.

NM_032638.5(GATA2):c.43G>A (p.Ala15Thr)

Gene: GATA2 (GATA binding protein 2; minus strand). Cytogenetic location: 3q21.3.
Variant type: single nucleotide variant.
Coding change: c.43G>A on transcript NM_032638.5 (MANE Select); coding-DNA position 43, G replaced by A.
Protein change: p.Ala15Thr; replaces alanine 15 with threonine.
Molecular consequence: missense variant.
Genome position (GRCh38, 1-based): chr3:128,486,989, C>T on the plus strand (G>A on the coding strand, the complement: GATA2 is on the minus strand). VCF-style: chr3-128486989-C-T. GRCh37 (hg19) VCF-style: chr3-128205832-C-T.
Other names: c.43G>A, p.Ala15Thr (NM_001145661.2, NM_001145662.1); short protein forms A15T.
Identifiers: ClinVar variation 1719067 (VCV001719067.5), dbSNP rs1413920280, ClinGen allele CA354409167.